The following is an entry in ClinVar:

ClinVar aggregate classification (germline): Likely pathogenic (1 of 4 stars; one submission).

Conditions:
Chromosome 2q32-q33 deletion syndrome (GLASS). Also called: 2q33.1 deletion syndrome; Glass syndrome. Identifiers: Orphanet 251019, MedGen C2676739, MONDO:0012864, OMIM 612313.

Submission:

Labcorp Genetics (formerly Invitae), Labcorp
Classification: Likely pathogenic for Chromosome 2q32-q33 deletion syndrome. Last evaluated: 2018-06-14. Review status: criteria provided, single submitter. Criteria: Invitae Variant Classification Sherloc (09022015). Collection method: clinical testing. Allele origin: germline.
Comment: This variant results in a copy number gain of the genomic region encompassing exons 5-8 of the SATB2 gene. While the exact position of this variant cannot be determined from this data, sub-genic copy number gains are generally in tandem (PMID: 25640679) and may result in an absent or disrupted protein product. A similar copy number gain has not been reported in the literature in individuals with SATB2-related disease. Loss-of-function variants in SATB2 are known to be pathogenic (PMID: 25885067). In summary, the currently available evidence indicates that the variant is pathogenic, but additional data are needed to prove that conclusively. Therefore, this variant has been classified as Likely Pathogenic.

Literature cited by the submitters: PubMed 25640679; PubMed 25885067.

NC_000002.11:g.(?_200213424)_(200246543_?)dup

Gene: SATB2 (SATB homeobox 2; minus strand). Cytogenetic location: 2q33.1.
Variant type: Duplication.
Identifiers: ClinVar variation 1066450 (VCV001066450.1).